The following is an entry in ClinVar:

ClinVar aggregate classification (germline): Conflicting classifications of pathogenicity. Review status: criteria provided, conflicting classifications (1 of 4 stars). 6 submissions from 6 submitters: Uncertain significance (5); Likely benign (1). Last evaluated 2025-03-01.

Conditions:
BRCA2-related cancer predisposition. Identifiers: MedGen CN377758, MONDO:0700269.
Hereditary cancer-predisposing syndrome. Also called: Tumor predisposition; Neoplastic Syndromes, Hereditary; Hereditary Cancer Syndrome; Hereditary neoplastic syndrome. Identifiers: Orphanet 140162, MedGen C0027672, MeSH D009386, MONDO:0015356.
Hereditary breast ovarian cancer syndrome. Also called: Hereditary breast and ovarian cancer; Hereditary breast and ovarian cancer syndrome (HBOC); Breast and ovarian cancer; Hereditary breast and/or ovarian cancer syndrome; BRCA1- and BRCA2-Associated Hereditary Breast and Ovarian Cancer; Hereditary breast and ovarian cancer syndrome. Identifiers: Orphanet 145, MedGen C0677776, MeSH D061325, MONDO:0003582. Disease mechanism: loss of function.

Submissions (6):

CeGaT Center for Human Genetics Tuebingen
Classification: Uncertain significance. Last evaluated: 2025-03-01. Review status: criteria provided, single submitter. Criteria: CeGaT Center For Human Genetics Tuebingen Variant Classification Criteria Version 2. Collection method: clinical testing. Allele origin: germline. Affected: yes. Observed: 1 variant allele.
Comment: BRCA2: PM2, BP1, BP4

All of Us Research Program, National Institutes of Health
Classification: Uncertain significance for BRCA2-related cancer predisposition. Last evaluated: 2024-04-25. Review status: criteria provided, single submitter. Criteria: ACMG Guidelines, 2015. Collection method: clinical testing. Allele origin: germline. Inheritance: Autosomal dominant inheritance. Observed: 2 variant alleles, 2 heterozygotes.
Comment: This missense variant replaces glutamine with arginine at codon 1931 of the BRCA2 protein. Computational prediction suggests that this variant may not impact protein structure and function. To our knowledge, functional studies have not been reported for this variant. This variant has not been reported in individuals affected with BRCA2-related disorders in the literature. This variant has not been identified in the general population by the Genome Aggregation Database (gnomAD). The available evidence is insufficient to determine the role of this variant in disease conclusively. Therefore, this variant is classified as a Variant of Uncertain Significance.

This study involves interpretation of variants in research participants for the purpose of population health screening. Participant phenotype was not available at the time of variant classification. Additional details can be found in publication PMID: 35346344, PMCID: PMC8962531

Color Diagnostics, LLC DBA Color Health
Classification: Uncertain significance for Hereditary cancer-predisposing syndrome. Last evaluated: 2024-03-29. Review status: criteria provided, single submitter. Criteria: ACMG Guidelines, 2015. Collection method: clinical testing. Allele origin: germline.
Comment: This missense variant replaces glutamine with arginine at codon 1931 of the BRCA2 protein. Computational prediction suggests that this variant may not impact protein structure and function. To our knowledge, functional studies have not been reported for this variant. This variant has not been reported in individuals affected with BRCA2-related disorders in the literature. This variant has not been identified in the general population by the Genome Aggregation Database (gnomAD). The available evidence is insufficient to determine the role of this variant in disease conclusively. Therefore, this variant is classified as a Variant of Uncertain Significance.

University of Washington Department of Laboratory Medicine, University of Washington
Classification: Likely benign for Hereditary cancer-predisposing syndrome. Last evaluated: 2023-03-23. Review status: criteria provided, single submitter. Criteria: Dines et al. (Genet Med. 2020). Collection method: curation. Allele origin: germline.
Comment: Missense variant in a coldspot region where missense variants are very unlikely to be pathogenic (PMID:31911673).

BRCA2 exon 11 coldspot. Reclassification based on statistical prior probability.

Ambry Genetics
Classification: Uncertain significance for Hereditary cancer-predisposing syndrome. Last evaluated: 2022-10-20. Review status: criteria provided, single submitter. Criteria: Ambry Variant Classification Scheme 2023. Collection method: clinical testing. Allele origin: germline.
Comment: The p.Q1931R variant (also known as c.5792A>G or 6020A>G), located in coding exon 10 of the BRCA2 gene, results from an A to G substitution at nucleotide position 5792. The glutamine at codon 1931 is replaced by arginine, an amino acid with highly similar properties. This amino acid position is not well conserved in available vertebrate species. In addition, this alteration is predicted to be tolerated by in silico analysis. Since supporting evidence is limited at this time, the clinical significance of p.Q1931R remains unclear.

Labcorp Genetics (formerly Invitae), Labcorp
Classification: Uncertain significance for Hereditary breast ovarian cancer syndrome. Last evaluated: 2019-07-21. Review status: criteria provided, single submitter. Criteria: Invitae Variant Classification Sherloc (09022015). Collection method: clinical testing. Allele origin: germline.
Comment: This sequence change replaces glutamine with arginine at codon 1931 of the BRCA2 protein (p.Gln1931Arg). The glutamine residue is weakly conserved and there is a small physicochemical difference between glutamine and arginine. This variant is not present in population databases (ExAC no frequency). This variant has not been reported in the literature in individuals with BRCA2-related conditions. ClinVar contains an entry for this variant (Variation ID: 185886). Algorithms developed to predict the effect of missense changes on protein structure and function (SIFT, PolyPhen-2, Align-GVGD) all suggest that this variant is likely to be tolerated, but these predictions have not been confirmed by published functional studies and their clinical significance is uncertain. In summary, the available evidence is currently insufficient to determine the role of this variant in disease. Therefore, it has been classified as a Variant of Uncertain Significance.

NM_000059.4(BRCA2):c.5792A>G (p.Gln1931Arg)

Gene: BRCA2 (BRCA2 DNA repair associated; plus strand). Cytogenetic location: 13q13.1.
Variant type: single nucleotide variant.
Coding change: c.5792A>G on transcript NM_000059.4 (MANE Select); coding-DNA position 5792, A replaced by G.
Protein change: p.Gln1931Arg; replaces glutamine 1931 with arginine.
Molecular consequence: missense variant.
Genome position (GRCh38, 1-based): chr13:32,340,147, A>G. VCF-style: chr13-32340147-A-G. GRCh37 (hg19) VCF-style: chr13-32914284-A-G.
Other names: short protein forms Q1931R.
Identifiers: ClinVar variation 185886 (VCV000185886.29), dbSNP rs786202537, ClinGen allele CA023244.